The following is an entry in ClinVar:

ClinVar aggregate classification (germline): Likely pathogenic (1 of 4 stars; one submission).

Conditions:
Developmental and epileptic encephalopathy, 9 (DEE9). Also called: Early infantile epileptic encephalopathy 9; JUBERG-HELLMAN SYNDROME; EPILEPSY, FEMALE-RESTRICTED, WITH MENTAL RETARDATION; PCDH19-Related X-Linked Female-Limited Epilepsy with Mental Retardation. Identifiers: Orphanet 101039, Orphanet 2076, MedGen C1848137, MONDO:0010246, OMIM 300088. Disease mechanism: loss of function.

Submission:

Victorian Clinical Genetics Services, Murdoch Childrens Research Institute
Classification: Likely pathogenic for Developmental and epileptic encephalopathy, 9. Last evaluated: 2025-04-17. Review status: criteria provided, single submitter. Criteria: ACMG Guidelines, 2015. Collection method: clinical testing. Allele origin: germline. Affected: yes.
Comment: This variant is classified as Likely pathogenic. Evidence in support of pathogenic classification: Variant is absent from gnomAD (v2, v3 and v4); Other missense variant(s) comparable to the one identified in this case have strong previous evidence for pathogenicity. p.(Asp264His) has been classified as likely pathogenic in ClinVar, and reported in the literature in individuals with seizures and intellectual disability, as both as paternally inherited and de novo (PMIDs: 31714027, 27527380, 22946748). p.(Asp264Tyr) has been reported in the literature in an infant with seizures, and de novo in another individual with epilepsy (PMIDs: 29644095, 38259611). It has also been classified as a VUS in ClinVar. p.(Asp264Glu) has been identified in two unrelated females with epilepsy (Invitae laboratory personal communication, PMID: 31440721); Missense variant predicted to be damaging by in silico tool(s) or highly conserved with a major amino acid change. Additional information: Variant is predicted to result in a missense amino acid change from aspartic acid to asparagine; This variant is heterozygous; This gene is associated with X-linked disease. Heterozygous females and mosaic males are affected; however, hemizygous males are reported not to present with symptoms (PMID: 28669061); This variant has no previous evidence of pathogenicity; No published segregation evidence has been identified for this variant; No published functional evidence has been identified for this variant; Variant is located in the annotated cadherin domain (DECIPHER); Loss of function is a known mechanism of disease in this gene and is associated with developmental and epileptic encephalopathy 9 (MIM#300088).

Literature cited by the submitters: PubMed 27527380; PubMed 38259611; PubMed 31440721; PubMed 29644095; PubMed 31714027; PubMed 28669061; PubMed 22946748.

NM_001184880.2(PCDH19):c.790G>A (p.Asp264Asn)

Gene: PCDH19 (protocadherin 19; minus strand). Cytogenetic location: Xq22.1.
Variant type: single nucleotide variant.
Coding change: c.790G>A on transcript NM_001184880.2 (MANE Select); coding-DNA position 790, G replaced by A.
Protein change: p.Asp264Asn; replaces aspartic acid 264 with asparagine.
Molecular consequence: missense variant.
Genome position (GRCh38, 1-based): chrX:100,407,808, C>T on the plus strand (G>A on the coding strand, the complement: PCDH19 is on the minus strand). VCF-style: chrX-100407808-C-T. GRCh37 (hg19) VCF-style: chrX-99662806-C-T.
Other names: c.790G>A, p.Asp264Asn (NM_001105243.2, NM_020766.3); short protein forms D264N.
Identifiers: ClinVar variation 4532135 (VCV004532135.1).